The following is an entry in ClinVar:

NM_006514.4(SCN10A):c.1346C>T (p.Pro449Leu)

Gene: SCN10A (sodium voltage-gated channel alpha subunit 10; minus strand). Cytogenetic location: 3p22.2.
Variant type: single nucleotide variant.
Coding change: c.1346C>T on transcript NM_006514.4 (MANE Select); coding-DNA position 1346, C replaced by T.
Protein change: p.Pro449Leu; replaces proline 449 with leucine.
Molecular consequence: missense variant.
Genome position (GRCh38, 1-based): chr3:38,755,903, G>A on the plus strand (C>T on the coding strand, the complement: SCN10A is on the minus strand). VCF-style: chr3-38755903-G-A. GRCh37 (hg19) VCF-style: chr3-38797394-G-A.
Other names: c.1346C>T, p.Pro449Leu (NM_001293306.2, NM_001293307.2); short protein forms P449L.
Identifiers: ClinVar variation 3438093 (VCV003438093.1).

ClinVar aggregate classification (germline): Uncertain significance (1 of 4 stars; one submission).

Conditions:
Cardiovascular phenotype. Identifiers: MedGen CN230736.

Submission:

Ambry Genetics
Classification: Uncertain significance for Cardiovascular phenotype. Last evaluated: 2024-07-07. Review status: criteria provided, single submitter. Criteria: Ambry Variant Classification Scheme 2023. Collection method: clinical testing. Allele origin: germline.
Comment: The p.P449L variant (also known as c.1346C>T), located in coding exon 10 of the SCN10A gene, results from a C to T substitution at nucleotide position 1346. The proline at codon 449 is replaced by leucine, an amino acid with similar properties. This amino acid position is conserved. In addition, the in silico prediction for this alteration is inconclusive. Based on the available evidence, the clinical significance of this variant remains unclear.